The following is an entry in ClinVar:

ClinVar aggregate classification (germline): Uncertain significance. Review status: criteria provided, multiple submitters, no conflicts (2 of 4 stars). 3 submissions from 3 submitters: Uncertain significance (3). Last evaluated 2025-07-09.

Conditions:
Hereditary breast ovarian cancer syndrome. Also called: Hereditary breast and ovarian cancer; Hereditary breast and ovarian cancer syndrome (HBOC); Breast and ovarian cancer; Hereditary breast and ovarian cancer syndrome; BRCA1- and BRCA2-Associated Hereditary Breast and Ovarian Cancer; Hereditary breast and/or ovarian cancer syndrome. Identifiers: Orphanet 145, MedGen C0677776, MeSH D061325, MONDO:0003582. Disease mechanism: loss of function.
Hereditary cancer-predisposing syndrome. Also called: Tumor predisposition; Neoplastic Syndromes, Hereditary; Hereditary neoplastic syndrome; Hereditary Cancer Syndrome. Identifiers: Orphanet 140162, MedGen C0027672, MeSH D009386, MONDO:0015356.

Allele frequency attached by ClinVar (database versions not stated): gnomAD exomes below 0.00001.
gnomAD v4.1: 1 of 1,613,946 alleles (0.000062%); highest among the groups gnomAD compares: Non-Finnish European, 0.000085%; no homozygotes.

Submissions (3):

Labcorp Genetics (formerly Invitae), Labcorp
Classification: Uncertain significance for Hereditary breast ovarian cancer syndrome. Last evaluated: 2025-07-09. Review status: criteria provided, single submitter. Criteria: Invitae Variant Classification Sherloc (09022015). Collection method: clinical testing. Allele origin: germline.
Comment: This sequence change replaces proline, which is neutral and non-polar, with leucine, which is neutral and non-polar, at codon 65 of the BRCA2 protein (p.Pro65Leu). This variant is not present in population databases (gnomAD no frequency). This variant has not been reported in the literature in individuals affected with BRCA2-related conditions. ClinVar contains an entry for this variant (Variation ID: 632688). Invitae Evidence Modeling of protein sequence and biophysical properties (such as structural, functional, and spatial information, amino acid conservation, physicochemical variation, residue mobility, and thermodynamic stability) indicates that this missense variant is not expected to disrupt BRCA2 protein function with a negative predictive value of 95%. In summary, the available evidence is currently insufficient to determine the role of this variant in disease. Therefore, it has been classified as a Variant of Uncertain Significance.

Ambry Genetics
Classification: Uncertain significance for Hereditary cancer-predisposing syndrome. Last evaluated: 2024-01-10. Review status: criteria provided, single submitter. Criteria: Ambry Variant Classification Scheme 2023. Collection method: clinical testing. Allele origin: germline.
Comment: The p.P65L variant (also known as c.194C>T), located in coding exon 2 of the BRCA2 gene, results from a C to T substitution at nucleotide position 194. The proline at codon 65 is replaced by leucine, an amino acid with similar properties. This amino acid position is highly conserved in available vertebrate species. In addition, this alteration is predicted to be tolerated by in silico analysis. Since supporting evidence is limited at this time, the clinical significance of this alteration remains unclear.

Women's Health and Genetics/Laboratory Corporation of America, LabCorp
Classification: Uncertain significance. Last evaluated: 2017-11-20. Review status: criteria provided, single submitter. Criteria: LabCorp Variant Classification Summary - May 2015. Collection method: clinical testing. Allele origin: germline.
Comment: Variant summary: The BRCA2 c.194C>T (p.Pro65Leu) variant involves the alteration of a conserved nucleotide. 5/5 in silico tools predict a damaging outcome for this variant. This variant is absent in 246196 control chromosomes. The variant of interest has not, to our knowledge, been reported in affected individuals via publications and/or reputable databases/clinical diagnostic laboratories; nor evaluated for functional impact by in vivo/vitro studies. Because of the absence of clinical information and the lack of functional studies, the variant is classified as a variant of uncertain significance (VUS) until additional information becomes available.

Literature cited by the submitters: PubMed 32394350 (cited by Ambry Genetics).

NM_000059.4(BRCA2):c.194C>T (p.Pro65Leu)

Gene: BRCA2 (BRCA2 DNA repair associated; plus strand). Cytogenetic location: 13q13.1.
Variant type: single nucleotide variant.
Coding change: c.194C>T on transcript NM_000059.4 (MANE Select); coding-DNA position 194, C replaced by T.
Protein change: p.Pro65Leu; replaces proline 65 with leucine.
Molecular consequence: missense variant.
Genome position (GRCh38, 1-based): chr13:32,319,203, C>T. VCF-style: chr13-32319203-C-T. GRCh37 (hg19) VCF-style: chr13-32893340-C-T.
Other names: short protein forms P65L.
Identifiers: ClinVar variation 632688 (VCV000632688.3), dbSNP rs1566215861, ClinGen allele CA387754374.